The following is an entry in ClinVar:

NM_000451.4(SHOX):c.380A>G (p.Glu127Gly)

Genes: SHOX (SHOX homeobox; plus strand), LOC107652445 (meiotic recombination hotspot SHOX; plus strand). Cytogenetic location: Xp22.33.
Variant type: single nucleotide variant.
Coding change: c.380A>G on transcript NM_000451.4 (MANE Select); coding-DNA position 380, A replaced by G.
Protein change: p.Glu127Gly; replaces glutamic acid 127 with glycine.
Molecular consequence: missense variant.
Genome position (GRCh38, 1-based): chrX:634,720, A>G. VCF-style: chrX-634720-A-G. GRCh37 (hg19) VCF-style: chrX-595455-A-G.
Other names: c.380A>G, p.Glu127Gly (NM_006883.2); short protein forms E127G.
Identifiers: ClinVar variation 4847174 (VCV004847174.1).

ClinVar aggregate classification (germline): Uncertain significance (1 of 4 stars; one submission).

gnomAD v4.1: 6 of 1,613,570 alleles (0.00037%); highest among the groups gnomAD compares: Non-Finnish European, 0.00051%; no homozygotes.

Submission:

Women's Health and Genetics/Laboratory Corporation of America, LabCorp
Classification: Uncertain significance. Last evaluated: 2026-03-17. Review status: criteria provided, single submitter. Criteria: LabCorp Variant Classification Summary - May 2015. Collection method: clinical testing. Allele origin: germline.
Comment: Variant summary: SHOX c.380A>G (p.Glu127Gly) results in a non-conservative amino acid change located in the Homeodomain (IPR001356) of the encoded protein sequence. Algorithms developed to predict the effect of missense changes on protein structure and function are either unavailable or do not agree on the potential impact of this missense change. The variant allele was found at a frequency of 4e-06 in 248764 control chromosomes. The available data on variant occurrences in the general population are insufficient to allow any conclusion about variant significance. To our knowledge, no occurrence of c.380A>G in individuals affected with SHOX-related conditions and no experimental evidence demonstrating its impact on protein function have been reported. No submitters have cited clinical-significance assessments for this variant to ClinVar. Based on the evidence outlined above, the variant was classified as uncertain significance.